The following is an entry in ClinVar:

NC_012920.1(MT-ND5):m.13762T>G

Gene: MT-ND5 (mitochondrially encoded NADH dehydrogenase 5; plus strand).
Variant type: single nucleotide variant.
Genome position: chrM-13762-T-G.
Identifiers: ClinVar variation 693603 (VCV000693603.1), dbSNP rs879154715, ClinGen allele CA337099806.

ClinVar aggregate classification (germline): Benign (1 of 4 stars; one submission).

Conditions:
Leigh syndrome (NULS). Also called: Leigh's necrotizing encephalopathy; Leigh's disease; Leigh's syndrome; LEIGH SYNDROME, NUCLEAR; Leigh Syndrome (mtDNA deletion); Leigh Disease. Identifiers: Orphanet 506, MedGen C2931891, MONDO:0009723, OMIM 256000.

Submission:

Wong Mito Lab, Molecular and Human Genetics, Baylor College of Medicine
Classification: Benign for Leigh syndrome. Last evaluated: 2019-10-17. Review status: criteria provided, single submitter. Criteria: Modified ACMG Guidelines (Unpublished). Collection method: clinical testing. Allele origin: germline.
Comment: The NC_012920.1:m.13762T>G (YP_003024036.1:p.Ser476Ala) variant in MTND5 gene is interpretated to be a Benign variant based on the modified ACMG guidelines (unpublished). This variant meets the following evidence codes: BS1, BS2, BP4